The following is an entry in ClinVar:

ClinVar aggregate classification (germline): Uncertain significance (1 of 4 stars; one submission).

Submission:

GeneDx
Classification: Uncertain significance. Last evaluated: 2024-07-11. Review status: criteria provided, single submitter. Criteria: GeneDx Variant Classification Process June 2021. Collection method: clinical testing. Allele origin: germline. Affected: yes.
Comment: Not observed at significant frequency in large population cohorts (gnomAD); In silico analysis supports that this missense variant has a deleterious effect on protein structure/function; Has not been previously published as pathogenic or benign to our knowledge

NM_001372044.2(SHANK3):c.590A>C (p.Tyr197Ser)

Gene: SHANK3 (SH3 and multiple ankyrin repeat domains 3; plus strand). Cytogenetic location: 22q13.33.
Variant type: single nucleotide variant.
Coding change: c.590A>C on transcript NM_001372044.2 (MANE Select); coding-DNA position 590, A replaced by C.
Protein change: p.Tyr197Ser; replaces tyrosine 197 with serine.
Molecular consequence: missense variant.
Genome position (GRCh38, 1-based): chr22:50,678,610, A>C. VCF-style: chr22-50678610-A-C. GRCh37 (hg19) VCF-style: chr22-51117038-A-C.
Other names: c.365A>C (NM_033517.1); short protein forms Y197S.
Identifiers: ClinVar variation 3572522 (VCV003572522.1).